The following is an entry in ClinVar:

NM_001278512.2(AP3B2):c.1056-6C>T

Genes: CPEB1-AS1 (CPEB1 antisense RNA 1; plus strand), AP3B2 (adaptor related protein complex 3 subunit beta 2; minus strand). Cytogenetic location: 15q25.2.
Variant type: single nucleotide variant.
Coding change: c.1056-6C>T on transcript NM_001278512.2 (MANE Select); 6 bases into the intron before coding-DNA position 1056, C replaced by T.
Molecular consequence: intron variant.
Genome position (GRCh38, 1-based): chr15:82,680,235, G>A on the plus strand (C>T on the coding strand, the complement: AP3B2 is on the minus strand). VCF-style: chr15-82680235-G-A. GRCh37 (hg19) VCF-style: chr15-83348987-G-A.
Other names: c.1056-6C>T (NM_004644.3, NM_004644.5); c.960-6C>T (NM_001278511.2).
Identifiers: ClinVar variation 752742 (VCV000752742.10), dbSNP rs757256314, ClinGen allele CA7700331.
Genomic context (GRCh38, chr15:82,680,235, plus strand): 5'-CCGGCGCTTGATGGACATGGTGGCCACGTTCTGGAGCACAACGTACTGCACCTCACTGCG[G>A]AGAGGACGGGTCAGAGCACCCCGGGCCCCTCGGTTGGGGCAAGGGTCAGCGGATGAGGGG-3'

ClinVar aggregate classification (germline): Conflicting classifications of pathogenicity. Review status: criteria provided, conflicting classifications (1 of 4 stars). 2 submissions from 2 submitters: Uncertain significance (1); Likely benign (1). Last evaluated 2025-07-21.

Conditions:
Inborn genetic diseases. Identifiers: MedGen C0950123, MeSH D030342.

Allele frequency attached by ClinVar (database versions not stated): gnomAD exomes 0.00002; TOPMed 0.00002; ExAC 0.00003.
gnomAD v4.1: 42 of 1,613,490 alleles (0.0026%); highest among the groups gnomAD compares: African/African-American, 0.031%; 1 homozygote.

Submissions (2):

Labcorp Genetics (formerly Invitae), Labcorp
Classification: Likely benign. Last evaluated: 2025-07-21. Review status: criteria provided, single submitter. Criteria: Invitae Variant Classification Sherloc (09022015). Collection method: clinical testing. Allele origin: germline.

Ambry Genetics
Classification: Uncertain significance for Inborn genetic diseases. Last evaluated: 2021-10-20. Review status: criteria provided, single submitter. Criteria: Ambry Variant Classification Scheme 2023. Collection method: clinical testing. Allele origin: germline.
Comment: The c.1056-6C>T intronic alteration consists of a C to T substitution 6 nucleotides before exon 9 of the AP3B2 gene. Based on insufficient or conflicting evidence, the clinical significance of this alteration remains unclear.